The following is an entry in ClinVar:

NM_000829.4(GRIA4):c.1918G>A (p.Ala640Thr)

Gene: GRIA4 (glutamate ionotropic receptor AMPA type subunit 4; plus strand). Cytogenetic location: 11q22.3.
Variant type: single nucleotide variant.
Coding change: c.1918G>A on transcript NM_000829.4 (MANE Select); coding-DNA position 1918, G replaced by A.
Protein change: p.Ala640Thr; replaces alanine 640 with threonine.
Molecular consequence: missense variant. On other transcripts: non-coding transcript variant (1).
Genome position (GRCh38, 1-based): chr11:105,926,811, G>A. VCF-style: chr11-105926811-G-A. GRCh37 (hg19) VCF-style: chr11-105797537-G-A.
Other names: c.1918G>A, p.Ala640Thr (NM_001077243.3); short protein forms A640T.
Identifiers: ClinVar variation 1708272 (VCV001708272.3), dbSNP rs2136198918, ClinGen allele CA382301793.

ClinVar aggregate classification (germline): Likely pathogenic (1 of 4 stars; one submission).

Submission:

Centre of Medical Genetics, University Hospital Muenster
Classification: Likely pathogenic. Last evaluated: 2021-12-08. Review status: criteria provided, single submitter. Criteria: ACMG Guidelines, 2015. Collection method: clinical testing. Allele origin: de novo. Affected: yes. Observed: 1 variant allele, 1 heterozygote.
Comment: ACMG categories: PS2,PM1,PM2,PP3,BP1